The following is an entry in ClinVar:

NM_001018115.3(FANCD2):c.667C>G (p.Gln223Glu)

Genes: FANCD2 (FA complementation group D2; plus strand), LOC107303338 (3p25 FANCD2 Alu-mediated recombination region; plus strand). Cytogenetic location: 3p25.3.
Variant type: single nucleotide variant.
Coding change: c.667C>G on transcript NM_001018115.3 (MANE Select); coding-DNA position 667, C replaced by G.
Protein change: p.Gln223Glu; replaces glutamine 223 with glutamic acid.
Molecular consequence: missense variant.
Genome position (GRCh38, 1-based): chr3:10,039,817, C>G. VCF-style: chr3-10039817-C-G. GRCh37 (hg19) VCF-style: chr3-10081501-C-G.
Other names: c.667C>G, p.Gln223Glu (NM_001319984.2, NM_001374253.1, NM_001374254.1 and 2 more transcripts); short protein forms Q223E.
Identifiers: ClinVar variation 1437510 (VCV001437510.8), dbSNP rs1307143430, ClinGen allele CA351725246.

ClinVar aggregate classification (germline): Uncertain significance (1 of 4 stars; one submission).

Conditions:
Fanconi anemia (FA). Also called: Fanconi's anemia. Identifiers: Orphanet 84, MedGen C0015625, MeSH D005199, MONDO:0019391.

Allele frequency attached by ClinVar (database versions not stated): gnomAD exomes below 0.00001.
gnomAD v4.1: 2 of 1,613,928 alleles (0.00012%); highest among the groups gnomAD compares: East Asian, 0.0045%; no homozygotes.

Submission:

Labcorp Genetics (formerly Invitae), Labcorp
Classification: Uncertain significance for Fanconi anemia. Last evaluated: 2024-04-15. Review status: criteria provided, single submitter. Criteria: Invitae Variant Classification Sherloc (09022015). Collection method: clinical testing. Allele origin: germline.
Comment: This sequence change replaces glutamine, which is neutral and polar, with glutamic acid, which is acidic and polar, at codon 223 of the FANCD2 protein (p.Gln223Glu). This variant is present in population databases (no rsID available, gnomAD 0.006%). This variant has not been reported in the literature in individuals affected with FANCD2-related conditions. ClinVar contains an entry for this variant (Variation ID: 1437510). Advanced modeling of protein sequence and biophysical properties (such as structural, functional, and spatial information, amino acid conservation, physicochemical variation, residue mobility, and thermodynamic stability) has been performed at Invitae for this missense variant, however the output from this modeling did not meet the statistical confidence thresholds required to predict the impact of this variant on FANCD2 protein function. In summary, the available evidence is currently insufficient to determine the role of this variant in disease. Therefore, it has been classified as a Variant of Uncertain Significance.